The following is an entry in ClinVar:

NM_177972.3(TUB):c.1047C>G (p.Asn349Lys)

Genes: RIC3 (RIC3 acetylcholine receptor chaperone; minus strand), TUB (TUB bipartite transcription factor; plus strand). Cytogenetic location: 11p15.4.
Variant type: single nucleotide variant.
Coding change: c.1047C>G on transcript NM_177972.3 (MANE Select); coding-DNA position 1047, C replaced by G.
Protein change: p.Asn349Lys; replaces asparagine 349 with lysine.
Molecular consequence: missense variant.
Genome position (GRCh38, 1-based): chr11:8,098,806, C>G. VCF-style: chr11-8098806-C-G. GRCh37 (hg19) VCF-style: chr11-8120353-C-G.
Other names: c.1212C>G, p.Asn404Lys (NM_003320.5); c.1212C>G (NM_003320.4); short protein forms N349K, N404K.
Identifiers: ClinVar variation 1484129 (VCV001484129.6), dbSNP rs1564924659, ClinGen allele CA379570483.
Genomic context (GRCh38, chr11:8,098,806, plus strand): 5'-CCTTTATTTCAGGTCCAACTTGATGGGCACCAAGTTCACTGTTTATGACAATGGAGTCAA[C>G]CCTCAGAAGGCCTCATCCTCCACTTTGGAAAGTGGAACCTTACGTCAGGAGCTGGCAGCT-3'
Protein context (NP_813977.1, residues 339-359): TKFTVYDNGV[Asn349Lys]PQKASSSTLE

ClinVar aggregate classification (germline): Uncertain significance. Review status: criteria provided, multiple submitters, no conflicts (2 of 4 stars). 2 submissions from 2 submitters: Uncertain significance (2). Last evaluated 2026-04-27.

Conditions:
TUB-related disorder. Also called: TUB-related condition.

Submissions (2):

PreventionGenetics, part of Exact Sciences
Classification: Uncertain significance for TUB-related condition. Last evaluated: 2026-04-27. Review status: criteria provided, single submitter. Criteria: ACMG Guidelines, 2015. Collection method: clinical testing. Allele origin: germline.
Comment: The TUB c.1212C>G variant is predicted to result in the amino acid substitution p.Asn404Lys. To our knowledge, this variant has not been reported in the literature or in a large population database (gnomAD), indicating this variant is rare. At this time, the clinical significance of this variant is uncertain due to the absence of conclusive functional and genetic evidence.

Labcorp Genetics (formerly Invitae), Labcorp
Classification: Uncertain significance. Last evaluated: 2021-09-24. Review status: criteria provided, single submitter. Criteria: Invitae Variant Classification Sherloc (09022015). Collection method: clinical testing. Allele origin: germline.
Comment: This sequence change replaces asparagine with lysine at codon 404 of the TUB protein (p.Asn404Lys). The asparagine residue is highly conserved and there is a moderate physicochemical difference between asparagine and lysine. This variant is not present in population databases (ExAC no frequency). This variant has not been reported in the literature in individuals with TUB-related conditions. Algorithms developed to predict the effect of missense changes on protein structure and function are either unavailable or do not agree on the potential impact of this missense change (SIFT: "Deleterious"; PolyPhen-2: "Benign"; Align-GVGD: "Class C65"). In summary, the available evidence is currently insufficient to determine the role of this variant in disease. Therefore, it has been classified as a Variant of Uncertain Significance.